The following is an entry in ClinVar:

ClinVar aggregate classification (germline): Uncertain significance (1 of 4 stars; one submission).

Conditions:
Inborn genetic diseases. Identifiers: MedGen C0950123, MeSH D030342.

Submission:

Ambry Genetics
Classification: Uncertain significance for Inborn genetic diseases. Last evaluated: 2026-06-01. Review status: criteria provided, single submitter. Criteria: Ambry Variant Classification Scheme 2023. Collection method: clinical testing. Allele origin: germline.
Comment: The p.P1042A variant (also known as c.3124C>G), located in coding exon 32 of the FANCA gene, results from a C to G substitution at nucleotide position 3124. The proline at codon 1042 is replaced by alanine, an amino acid with highly similar properties. This amino acid position is conserved. In addition, this alteration is predicted to be tolerated by in silico analysis. Based on the available evidence, the clinical significance of this variant remains unclear.

NM_000135.4(FANCA):c.3124C>G (p.Pro1042Ala)

Gene: FANCA (FA complementation group A; minus strand). Cytogenetic location: 16q24.3.
Variant type: single nucleotide variant.
Coding change: c.3124C>G on transcript NM_000135.4 (MANE Select); coding-DNA position 3124, C replaced by G.
Protein change: p.Pro1042Ala; replaces proline 1042 with alanine.
Molecular consequence: missense variant.
Genome position (GRCh38, 1-based): chr16:89,749,845, G>C on the plus strand (C>G on the coding strand, the complement: FANCA is on the minus strand). VCF-style: chr16-89749845-G-C. GRCh37 (hg19) VCF-style: chr16-89816253-G-C.
Other names: c.3124C>G, p.Pro1042Ala (NM_001286167.3); short protein forms P1042A.
Identifiers: ClinVar variation 4870897 (VCV004870897.1).
Genomic context (GRCh38, chr16:89,749,845, plus strand): 5'-CGCTTGTCAGAGCCTGGAGCCGTCTGCGGAAAATCTCAAAGAGGAAGTGCTCCTGGGAAG[G>C]GGTGTGGCCGAGAGGCACTATGAGGTCTTGCTGCAGCTCCAGGTCAGCTACCATCTCCTG-3'
Protein context (NP_000126.2, residues 1032-1052): QDLIVPLGHT[Pro1042Ala]SQEHFLFEIF